The following is an entry in ClinVar:

NM_004369.4(COL6A3):c.7795T>C (p.Phe2599Leu)

Gene: COL6A3 (collagen type VI alpha 3 chain; minus strand). Cytogenetic location: 2q37.3.
Variant type: single nucleotide variant.
Coding change: c.7795T>C on transcript NM_004369.4 (MANE Select); coding-DNA position 7795, T replaced by C.
Protein change: p.Phe2599Leu; replaces phenylalanine 2599 with leucine.
Molecular consequence: missense variant.
Genome position (GRCh38, 1-based): chr2:237,341,121, A>G on the plus strand (T>C on the coding strand, the complement: COL6A3 is on the minus strand). VCF-style: chr2-237341121-A-G. GRCh37 (hg19) VCF-style: chr2-238249764-A-G.
Other names: c.5974T>C, p.Phe1992Leu (NM_057166.5); c.7177T>C, p.Phe2393Leu (NM_057167.4); short protein forms F2393L, F2599L, F1992L.
Identifiers: ClinVar variation 2012499 (VCV002012499.6), dbSNP rs973630902, ClinGen allele CA67836320.

ClinVar aggregate classification (germline): Uncertain significance. Review status: criteria provided, multiple submitters, no conflicts (2 of 4 stars). 2 submissions from 2 submitters: Uncertain significance (2). Last evaluated 2024-10-19.

Conditions:
Bethlem myopathy 1A. Also called: MYOPATHY, BENIGN CONGENITAL, WITH CONTRACTURES; Bethlem myopathy 1; Bethlem Muscular Dystrophy. Identifiers: Orphanet 610, MedGen CN029274, MONDO:0024530, OMIM 158810.

Submissions (2):

Dasa
Classification: Uncertain significance. Last evaluated: 2024-10-19. Review status: criteria provided, single submitter. Criteria: DASA Assertion Criteria. Collection method: clinical testing. Allele origin: germline.
Comment: NM_004369.4(COL6A3):c.7795T>C (p.Phe2599Leu) is a missense variant that results in the substitution of phenylalanine with leucine. This variant is absent from population databases. The currently available literature and clinical evidence are not sufficient to establish a definitive association between this variant and the reported condition. Therefore, this variant is classified as a variant of uncertain significance.

Labcorp Genetics (formerly Invitae), Labcorp
Classification: Uncertain significance for Bethlem myopathy 1A. Last evaluated: 2022-11-01. Review status: criteria provided, single submitter. Criteria: Invitae Variant Classification Sherloc (09022015). Collection method: clinical testing. Allele origin: germline.
Comment: This variant has not been reported in the literature in individuals affected with COL6A3-related conditions. This variant is not present in population databases (gnomAD no frequency). This sequence change replaces phenylalanine, which is neutral and non-polar, with leucine, which is neutral and non-polar, at codon 2599 of the COL6A3 protein (p.Phe2599Leu). In summary, the available evidence is currently insufficient to determine the role of this variant in disease. Therefore, it has been classified as a Variant of Uncertain Significance. Advanced modeling of protein sequence and biophysical properties (such as structural, functional, and spatial information, amino acid conservation, physicochemical variation, residue mobility, and thermodynamic stability) performed at Invitae indicates that this missense variant is not expected to disrupt COL6A3 protein function.